The following is an entry in ClinVar:

ClinVar aggregate classification (germline): Likely pathogenic. Review status: criteria provided, multiple submitters, no conflicts (2 of 4 stars). 2 submissions from 2 submitters: Likely pathogenic (2). Last evaluated 2025-08-29.

Conditions:
Hypophosphatasia. Also called: Phosphoethanol-aminuria. Identifiers: Orphanet 436, MedGen C0020630, MeSH D007014, MONDO:0018570.

Submissions (2):

Genomenon, Inc
Classification: Likely pathogenic for Hypophosphatasia. Last evaluated: 2025-08-29. Review status: criteria provided, single submitter. Criteria: Genomenon Sequence Variant Interpretation Standards. Collection method: curation. Allele origin: germline. Affected: no.
Comment: ALPL p.His79GlnfsTer30 (c.237_238del) is a frameshift variant that results in the production of a truncated protein which is predicted to undergo nonsense-mediated mRNA decay. This variant has been reported in the published literature (PMID:32088736). It is absent or not present at a significant frequency in gnomAD. In conclusion, we classify ALPL p.His79GlnfsTer30 (c.237_238del) as a likely pathogenic variant.

JKU Lab, Dept of Paediatrics, Johannes Kepler University
Classification: Likely pathogenic for Hypophosphatasia. Last evaluated: 2023-04-25. Review status: criteria provided, single submitter. Criteria: ACMG Guidelines, 2015. Collection method: clinical testing. Allele origin: germline. Affected: yes. Observed: 1 heterozygote.
Comment: Absent in GnomAD. The ACMG criteria applied can be looked up in the ALPL gene variant database.

Literature cited by the submitters: PubMed 32088736 (cited by Genomenon, Inc and JKU Lab, Dept of Paediatrics, Johannes Kepler University).

NM_000478.6(ALPL):c.237_238del (p.His79fs)

Gene: ALPL (alkaline phosphatase, biomineralization associated; plus strand). Cytogenetic location: 1p36.12.
Variant type: Microsatellite.
Coding change: c.237_238del on transcript NM_000478.6 (MANE Select); coding-DNA positions 237 to 238, 2 bases deleted (CA; older notation c.237_238delCA).
Protein change: p.His79fs; shifts the reading frame from histidine 79.
Molecular consequence: frameshift variant. On other transcripts: intron variant (1).
Genome position (GRCh38, 1-based): chr1:21,561,152-21,561,153, CA deleted; deleting any 2 consecutive bases within chr1:21,561,150-21,561,153 gives the same sequence; the c. name uses the placement nearest the transcript's 3' end. VCF-style (leftmost placement, unchanged base first): chr1-21561149-CCA-C. GRCh37 (hg19) VCF-style: chr1-21887642-CCA-C.
Other names: c.72_73del, p.His24fs (NM_001127501.4); c.237_238del, p.His79fs (NM_001369803.2, NM_001369804.2, NM_001369805.2); c.66+407_66+408del (NM_001177520.3); c.237_238delCA (NM_000478.6); short protein forms H24fs, H79fs.
Identifiers: ClinVar variation 2671814 (VCV002671814.2), dbSNP rs2545292172, ClinGen allele CA2695197985.